The following is an entry in ClinVar:

NM_000051.4(ATM):c.2994dup (p.Lys999fs)

Gene: ATM (ATM serine/threonine kinase; plus strand). Cytogenetic location: 11q22.3.
Variant type: Duplication.
Coding change: c.2994dup on transcript NM_000051.4 (MANE Select); coding-DNA position 2994, one base duplicated (G; older notation c.2994dupG).
Protein change: p.Lys999fs; shifts the reading frame from lysine 999.
Molecular consequence: frameshift variant.
Genome position (GRCh38, 1-based): chr11:108,271,323, G duplicated. VCF-style (leftmost placement, unchanged base first): chr11-108271322-T-TG. GRCh37 (hg19) VCF-style: chr11-108142049-T-TG.
Other names: c.2994dup, p.Lys999fs (NM_001351834.2); short protein forms K999fs.
Identifiers: ClinVar variation 1455343 (VCV001455343.6), dbSNP rs2135553051, ClinGen allele CA2573146589.

ClinVar aggregate classification (germline): Pathogenic (1 of 4 stars; one submission).

Conditions:
Ataxia-telangiectasia syndrome (AT). Also called: Ataxia-telangiectasia, complementation group E; LOUIS-BAR SYNDROME; Ataxia-telangiectasia, complementation group D; AT, COMPLEMENTATION GROUP C; Ataxia-telangiectasia; Cerebello-oculocutaneous telangiectasia. Identifiers: Orphanet 100, MedGen C0004135, MONDO:0008840, OMIM 208900.

Submission:

Labcorp Genetics (formerly Invitae), Labcorp
Classification: Pathogenic for Ataxia-telangiectasia syndrome. Last evaluated: 2021-04-11. Review status: criteria provided, single submitter. Criteria: Invitae Variant Classification Sherloc (09022015). Collection method: clinical testing. Allele origin: germline.
Comment: For these reasons, this variant has been classified as Pathogenic. This variant has not been reported in the literature in individuals with ATM-related conditions. This variant is not present in population databases (ExAC no frequency). This sequence change creates a premature translational stop signal (p.Lys999Glufs*11) in the ATM gene. It is expected to result in an absent or disrupted protein product. Loss-of-function variants in ATM are known to be pathogenic (PMID: 23807571, 25614872).

Literature cited by the submitters: PubMed 23807571; PubMed 25614872.